The following is an entry in ClinVar:

NM_015158.5(KANK1):c.1136A>G (p.Gln379Arg)

Gene: KANK1 (KN motif and ankyrin repeat domains 1; plus strand). Cytogenetic location: 9p24.3.
Variant type: single nucleotide variant.
Coding change: c.1136A>G on transcript NM_015158.5 (MANE Select); coding-DNA position 1136, A replaced by G.
Protein change: p.Gln379Arg; replaces glutamine 379 with arginine.
Molecular consequence: missense variant. On other transcripts: non-coding transcript variant (1).
Genome position (GRCh38, 1-based): chr9:711,902, A>G. VCF-style: chr9-711902-A-G. GRCh37 (hg19) VCF-style: chr9-711902-A-G.
Other names: c.662A>G, p.Gln221Arg (NM_001354336.2, NM_001354337.2, NM_001354338.2 and 9 more transcripts); c.1136A>G, p.Gln379Arg (NM_001256876.3, NM_001256877.3, NM_001354331.2 and 2 more transcripts); short protein forms Q221R, Q379R.
Identifiers: ClinVar variation 3354305 (VCV003354305.1).

ClinVar aggregate classification (germline): Uncertain significance (0 of 4 stars; one submission).

Conditions:
KANK1-related disorder. Also called: KANK1-related condition.

Submission:

PreventionGenetics, part of Exact Sciences
Classification: Uncertain significance for KANK1-related condition. Last evaluated: 2024-09-09. Review status: no assertion criteria provided. Collection method: clinical testing. Allele origin: germline.
Comment: The KANK1 c.1136A>G variant is predicted to result in the amino acid substitution p.Gln379Arg. To our knowledge, this variant has not been reported in the literature or in a large population database, indicating this variant is rare. At this time, the clinical significance of this variant is uncertain due to the absence of conclusive functional and genetic evidence.